The following is an entry in ClinVar:

ClinVar aggregate classification (germline): Uncertain significance (1 of 4 stars; one submission).

gnomAD v4.1: 3 of 1,581,882 alleles (0.00019%); highest among the groups gnomAD compares: Non-Finnish European, 0.00026%; no homozygotes.

Submission:

CeGaT Center for Human Genetics Tuebingen
Classification: Uncertain significance. Last evaluated: 2026-04-01. Review status: criteria provided, single submitter. Criteria: CeGaT Center For Human Genetics Tuebingen Variant Classification Criteria Version 2. Collection method: clinical testing. Allele origin: germline. Affected: yes. Observed: 1 variant allele.
Comment: MAGEL2: PM2, BP4

NM_019066.5(MAGEL2):c.1899G>C (p.Gln633His)

Gene: MAGEL2 (MAGE family member L2; minus strand). Cytogenetic location: 15q11.2.
Variant type: single nucleotide variant.
Coding change: c.1899G>C on transcript NM_019066.5 (MANE Select); coding-DNA position 1899, G replaced by C.
Protein change: p.Gln633His; replaces glutamine 633 with histidine.
Molecular consequence: missense variant.
Genome position (GRCh38, 1-based): chr15:23,645,844, C>G on the plus strand (G>C on the coding strand, the complement: MAGEL2 is on the minus strand). VCF-style: chr15-23645844-C-G. GRCh37 (hg19) VCF-style: chr15-23890991-C-G.
Other names: short protein forms Q633H.
Identifiers: ClinVar variation 4873912 (VCV004873912.2).
Genomic context (GRCh38, chr15:23,645,844, plus strand): 5'-CGGGGCTCCCTGAAAGGGCTGCTCCAGCTGGACCAAGGGGGGAGCCTGCCTCTGGGCCTC[C>G]TGGGCAGGCAGGGGCTGCCAGATGTGAGTGGGGGCCTTCTGGGCCTGCCAGGCCAGCGCC-3'
Protein context (NP_061939.3, residues 623-643): PTHIWQPLPA[Gln633His]EAQRQAPPLV